The following is an entry in ClinVar:

NM_001130438.3(SPTAN1):c.7161-8G>A

Gene: SPTAN1 (spectrin alpha, non-erythrocytic 1; plus strand). Cytogenetic location: 9q34.11.
Variant type: single nucleotide variant.
Coding change: c.7161-8G>A on transcript NM_001130438.3 (MANE Select); 8 bases into the intron before coding-DNA position 7161, G replaced by A.
Molecular consequence: intron variant.
Genome position (GRCh38, 1-based): chr9:128,632,800, G>A. VCF-style: chr9-128632800-G-A. GRCh37 (hg19) VCF-style: chr9-131395079-G-A.
Other names: c.7224-8G>A (NM_001363759.2); c.7146-8G>A (NM_003127.4); c.7101-8G>A (NM_001363765.2); c.7086-8G>A (NM_001195532.2).
Identifiers: ClinVar variation 139317 (VCV000139317.19), dbSNP rs202180736, ClinGen allele CA293760.
Genomic context (GRCh38, chr9:128,632,800, plus strand): 5'-GCTGTGAGCCTCTGCCCGGGGCACCCACCTGCCCTCCCTGCTCAGGCTCTTGCTTCCCCC[G>A]CTCCTAGAGATGGCCATGTCTCCTTGCAAGAATACATGGCTTTCATGATCAGCCGCGAAA-3'

ClinVar aggregate classification (germline): Conflicting classifications of pathogenicity. Review status: criteria provided, conflicting classifications (1 of 4 stars). 5 submissions from 5 submitters: Uncertain significance (1); Benign (2); Likely benign (2). Last evaluated 2026-01-27.

Conditions:
Early-infantile DEE. Also called: Early infantile epileptic encephalopathy; Ohtahara syndrome; Early infantile epileptic encephalopathy with suppression bursts. Identifiers: Orphanet 1934, MedGen C0393706, MONDO:0800491.
Developmental and epileptic encephalopathy, 5 (DEE5). Identifiers: Orphanet 3451, MedGen C3150731, MONDO:0013277, OMIM 613477.

Allele frequency attached by ClinVar (database versions not stated): gnomAD exomes 0.00003 and 0.00010; ESP Exome Variant Server 0.00008; ExAC 0.00010; gnomAD 0.00014 and 0.00016; TOPMed 0.00051; 1000 Genomes Project 0.00060; 1000 Genomes Project 30x 0.00062.
gnomAD v4.1: 83 of 1,614,024 alleles (0.0051%); highest among the groups gnomAD compares: Admixed American, 0.065%; no homozygotes.

Submissions (5):

Labcorp Genetics (formerly Invitae), Labcorp
Classification: Likely benign for Early-infantile DEE. Last evaluated: 2026-01-27. Review status: criteria provided, single submitter. Criteria: Invitae Variant Classification Sherloc (09022015). Collection method: clinical testing. Allele origin: germline.

ARUP Laboratories, Molecular Genetics and Genomics, ARUP Laboratories
Classification: Likely benign for Developmental and epileptic encephalopathy, 5. Last evaluated: 2023-11-14. Review status: criteria provided, single submitter. Criteria: ARUP Molecular Germline Variant Investigation Process 2024. Collection method: clinical testing. Allele origin: germline.

Genome-Nilou Lab
Classification: Benign for Developmental and epileptic encephalopathy, 5. Last evaluated: 2021-07-15. Review status: criteria provided, single submitter. Criteria: ACMG Guidelines, 2015. Collection method: clinical testing. Allele origin: germline. Affected: no.

Eurofins Ntd Llc (ga)
Classification: Uncertain significance. Last evaluated: 2017-06-26. Review status: criteria provided, single submitter. Criteria: EGL Classification Definitions 2015. Collection method: clinical testing. Allele origin: germline. Observed: 1 variant allele, 1 heterozygote.

GeneDx
Classification: Benign. Last evaluated: 2013-09-19. Review status: criteria provided, single submitter. Criteria: GeneDx Variant Classification (06012015). Collection method: clinical testing. Allele origin: germline. Affected: yes.
Comment: This variant is considered likely benign or benign based on one or more of the following criteria: it is a conservative change, it occurs at a poorly conserved position in the protein, it is predicted to be benign by multiple in silico algorithms, and/or has population frequency not consistent with disease.